The following is an entry in ClinVar:

NM_020778.5(ALPK3):c.3728A>G (p.Lys1243Arg)

Gene: ALPK3 (alpha kinase 3; plus strand). Cytogenetic location: 15q25.3.
Variant type: single nucleotide variant.
Coding change: c.3728A>G on transcript NM_020778.5 (MANE Select); coding-DNA position 3728, A replaced by G.
Protein change: p.Lys1243Arg; replaces lysine 1243 with arginine.
Molecular consequence: missense variant.
Genome position (GRCh38, 1-based): chr15:84,858,466, A>G. VCF-style: chr15-84858466-A-G. GRCh37 (hg19) VCF-style: chr15-85401697-A-G.
Other names: short protein forms K1243R.
Identifiers: ClinVar variation 2129956 (VCV002129956.4), dbSNP rs748203589, ClinGen allele CA7709705.
Genomic context (GRCh38, chr15:84,858,466, plus strand): 5'-TGCTGGAGGTGCCTCGGGCAGAGGAGGAGCTGGCGGCAGGAGACCTGGGCCCCAGCCCCA[A>G]GGCCGGCGGTCTGGACACAGAGGTGGCCCTGGATGAAGGCAAGCAGGAGACACTGGCCAA-3'
Protein context (NP_065829.4, residues 1233-1253): LAAGDLGPSP[Lys1243Arg]AGGLDTEVAL

ClinVar aggregate classification (germline): Uncertain significance (1 of 4 stars; one submission).

Allele frequency attached by ClinVar (database versions not stated): gnomAD exomes below 0.00001; ExAC 0.00003.
gnomAD v4.1: 2 of 1,571,168 alleles (0.00013%); highest among the groups gnomAD compares: Non-Finnish European, 0.00017%; no homozygotes.

Submission:

Labcorp Genetics (formerly Invitae), Labcorp
Classification: Uncertain significance. Last evaluated: 2024-05-21. Review status: criteria provided, single submitter. Criteria: Invitae Variant Classification Sherloc (09022015). Collection method: clinical testing. Allele origin: germline.
Comment: This sequence change replaces lysine, which is basic and polar, with arginine, which is basic and polar, at codon 1445 of the ALPK3 protein (p.Lys1445Arg). The frequency data for this variant in the population databases is considered unreliable, as metrics indicate poor data quality at this position in the gnomAD database. This variant has not been reported in the literature in individuals affected with ALPK3-related conditions. ClinVar contains an entry for this variant (Variation ID: 2129956). Algorithms developed to predict the effect of missense changes on protein structure and function output the following: SIFT: "Not Available"; PolyPhen-2: "Benign"; Align-GVGD: "Not Available". The arginine amino acid residue is found in multiple mammalian species, which suggests that this missense change does not adversely affect protein function. In summary, the available evidence is currently insufficient to determine the role of this variant in disease. Therefore, it has been classified as a Variant of Uncertain Significance.